The following is an entry in ClinVar:

NM_000233.4(LHCGR):c.1010T>C (p.Leu337Ser)

Genes: LHCGR (luteinizing hormone/choriogonadotropin receptor; minus strand), STON1-GTF2A1L (STON1-GTF2A1L readthrough; plus strand). Cytogenetic location: 2p16.3.
Variant type: single nucleotide variant.
Coding change: c.1010T>C on transcript NM_000233.4 (MANE Select); coding-DNA position 1010, T replaced by C.
Protein change: p.Leu337Ser; replaces leucine 337 with serine.
Molecular consequence: missense variant. On other transcripts: intron variant (1).
Genome position (GRCh38, 1-based): chr2:48,688,787, A>G on the plus strand (T>C on the coding strand, the complement: LHCGR is on the minus strand). VCF-style: chr2-48688787-A-G. GRCh37 (hg19) VCF-style: chr2-48915926-A-G.
Other names: c.3441+17107A>G (NM_001198593.2); short protein forms L337S.
Identifiers: ClinVar variation 336462 (VCV000336462.18), dbSNP rs61996314, ClinGen allele CA1653096.

ClinVar aggregate classification (germline): Benign/Likely benign. Review status: criteria provided, multiple submitters, no conflicts (2 of 4 stars). 4 submissions from 4 submitters: Benign (3); Likely benign (1). Last evaluated 2026-01-20.

Conditions:
Gonadotropin-independent familial sexual precocity. Also called: TESTOTOXICOSIS, FAMILIAL; Familial male-limited precocious puberty. Identifiers: Orphanet 3000, MedGen C0342549, MONDO:0008303, OMIM 176410.

Allele frequency attached by ClinVar (database versions not stated): gnomAD exomes 0.00053 and 0.00166; ExAC 0.00212; 1000 Genomes Project 0.00459; 1000 Genomes Project 30x 0.00515; gnomAD 0.00625 and 0.00677; TOPMed 0.00678; ESP Exome Variant Server 0.00807.
gnomAD v4.1: 1,761 of 1,614,166 alleles (0.11%); highest among the groups gnomAD compares: African/African-American, 2.1%; 12 homozygotes.

Submissions (4):

Labcorp Genetics (formerly Invitae), Labcorp
Classification: Benign. Last evaluated: 2026-01-20. Review status: criteria provided, single submitter. Criteria: Invitae Variant Classification Sherloc (09022015). Collection method: clinical testing. Allele origin: germline.

GeneDx
Classification: Benign. Last evaluated: 2021-05-25. Review status: criteria provided, single submitter. Criteria: GeneDx Variant Classification Process June 2021. Collection method: clinical testing. Allele origin: germline. Affected: yes.

Illumina Laboratory Services, Illumina
Classification: Benign for Gonadotropin-independent familial sexual precocity. Last evaluated: 2018-01-12. Review status: criteria provided, single submitter. Criteria: ICSL Variant Classification Criteria 13 December 2019. Collection method: clinical testing. Allele origin: germline.
Comment: This variant was observed in the ICSL laboratory as part of a predisposition screen in an ostensibly healthy population. It had not been previously curated by ICSL or reported in the Human Gene Mutation Database (HGMD: prior to June 1st, 2018), and was therefore a candidate for classification through an automated scoring system. Utilizing variant allele frequency, disease prevalence and penetrance estimates, and inheritance mode, an automated score was calculated to assess if this variant is too frequent to cause the disease. Based on the score and internal cut-off values, a variant classified as benign is not then subjected to further curation. The score for this variant resulted in a classification of benign for this disease.

Breakthrough Genomics
Classification: Likely benign. Review status: criteria provided, single submitter. Criteria: ACMG Guidelines, 2015. Collection method: not provided. Allele origin: germline. Inheritance: Autosomal recessive inheritance. Affected: yes.